The following is an entry in ClinVar:

NM_001042545.2(LTBP4):c.3514C>T (p.Arg1172Trp)

Gene: LTBP4 (latent transforming growth factor beta binding protein 4; plus strand). Cytogenetic location: 19q13.2.
Variant type: single nucleotide variant.
Coding change: c.3514C>T on transcript NM_001042545.2 (MANE Select); coding-DNA position 3514, C replaced by T.
Protein change: p.Arg1172Trp; replaces arginine 1172 with tryptophan.
Molecular consequence: missense variant.
Genome position (GRCh38, 1-based): chr19:40,622,979, C>T. VCF-style: chr19-40622979-C-T. GRCh37 (hg19) VCF-style: chr19-41128884-C-T.
Other names: c.3715C>T, p.Arg1239Trp (NM_001042544.1); c.3604C>T, p.Arg1202Trp (NM_003573.2); short protein forms R1172W, R1202W, R1239W.
Identifiers: ClinVar variation 3365894 (VCV003365894.1).
Genomic context (GRCh38, chr19:40,622,979, plus strand): 5'-TGTCCTGGCTCAGGCTTGTCTCTGTGTGTAGCTGAGTACCAGTCATTGTGCCCTCACGGC[C>T]GGGGCTACCTGGCGCCCAGTGGAGACCTGAGCCTCCGGAGAGGTGAGGCCAGCCTTTGAC-3'
Protein context (NP_001036010.1, residues 1162-1182): AEYQSLCPHG[Arg1172Trp]GYLAPSGDLS

ClinVar aggregate classification (germline): Uncertain significance (1 of 4 stars; one submission).

gnomAD v4.1: 18 of 1,612,966 alleles (0.0011%); highest among the groups gnomAD compares: African/African-American, 0.016%; no homozygotes.

Submission:

GeneDx
Classification: Uncertain significance. Last evaluated: 2023-12-18. Review status: criteria provided, single submitter. Criteria: GeneDx Variant Classification Process June 2021. Collection method: clinical testing. Allele origin: germline. Affected: yes.
Comment: Not observed at significant frequency in large population cohorts (gnomAD); In silico analysis supports that this missense variant has a deleterious effect on protein structure/function; Has not been previously published as pathogenic or benign to our knowledge